The following is an entry in ClinVar:

NM_006734.4(HIVEP2):c.3116A>G (p.His1039Arg)

Gene: HIVEP2 (HIVEP zinc finger 2; minus strand). Cytogenetic location: 6q24.2.
Variant type: single nucleotide variant.
Coding change: c.3116A>G on transcript NM_006734.4 (MANE Select); coding-DNA position 3116, A replaced by G.
Protein change: p.His1039Arg; replaces histidine 1039 with arginine.
Molecular consequence: missense variant.
Genome position (GRCh38, 1-based): chr6:142,771,623, T>C on the plus strand (A>G on the coding strand, the complement: HIVEP2 is on the minus strand). VCF-style: chr6-142771623-T-C. GRCh37 (hg19) VCF-style: chr6-143092760-T-C.
Other names: short protein forms H1039R.
Identifiers: ClinVar variation 1801016 (VCV001801016.3), dbSNP rs2482834040, ClinGen allele CA365905401.

ClinVar aggregate classification (germline): Uncertain significance. Review status: criteria provided, multiple submitters, no conflicts (2 of 4 stars). 2 submissions from 2 submitters: Uncertain significance (2). Last evaluated 2024-03-18.

Allele frequency attached by ClinVar (database versions not stated): gnomAD exomes below 0.00001.
gnomAD v4.1: 1 of 1,614,104 alleles (0.000062%); highest among the groups gnomAD compares: East Asian, 0.0022%; no homozygotes.

Submissions (2):

Labcorp Genetics (formerly Invitae), Labcorp
Classification: Uncertain significance. Last evaluated: 2024-03-18. Review status: criteria provided, single submitter. Criteria: Invitae Variant Classification Sherloc (09022015). Collection method: clinical testing. Allele origin: germline.
Comment: This sequence change replaces histidine, which is basic and polar, with arginine, which is basic and polar, at codon 1039 of the HIVEP2 protein (p.His1039Arg). This variant is not present in population databases (gnomAD no frequency). This variant has not been reported in the literature in individuals affected with HIVEP2-related conditions. ClinVar contains an entry for this variant (Variation ID: 1801016). Advanced modeling of protein sequence and biophysical properties (such as structural, functional, and spatial information, amino acid conservation, physicochemical variation, residue mobility, and thermodynamic stability) has been performed at Invitae for this missense variant, however the output from this modeling did not meet the statistical confidence thresholds required to predict the impact of this variant on HIVEP2 protein function. In summary, the available evidence is currently insufficient to determine the role of this variant in disease. Therefore, it has been classified as a Variant of Uncertain Significance.

GeneDx
Classification: Uncertain significance. Last evaluated: 2022-05-25. Review status: criteria provided, single submitter. Criteria: GeneDx Variant Classification Process June 2021. Collection method: clinical testing. Allele origin: germline. Affected: yes.
Comment: Not observed at significant frequency in large population cohorts (gnomAD); In silico analysis supports that this missense variant does not alter protein structure/function; Has not been previously published as pathogenic or benign to our knowledge